The following is an entry in ClinVar:

ClinVar aggregate classification (germline): Uncertain significance (1 of 4 stars; one submission).

Allele frequency attached by ClinVar (database versions not stated): TOPMed below 0.00001; gnomAD 0.00001; gnomAD exomes 0.00001; ExAC 0.00002; ESP Exome Variant Server 0.00008.
gnomAD v4.1: 17 of 1,610,376 alleles (0.0011%); highest among the groups gnomAD compares: Non-Finnish European, 0.0014%; no homozygotes.

Submission:

Labcorp Genetics (formerly Invitae), Labcorp
Classification: Uncertain significance. Last evaluated: 2022-06-08. Review status: criteria provided, single submitter. Criteria: Invitae Variant Classification Sherloc (09022015). Collection method: clinical testing. Allele origin: germline.
Comment: This sequence change replaces alanine, which is neutral and non-polar, with valine, which is neutral and non-polar, at codon 443 of the TRPC3 protein (p.Ala443Val). In summary, the available evidence is currently insufficient to determine the role of this variant in disease. Therefore, it has been classified as a Variant of Uncertain Significance. Algorithms developed to predict the effect of missense changes on protein structure and function are either unavailable or do not agree on the potential impact of this missense change (SIFT: "Deleterious"; PolyPhen-2: "Benign"; Align-GVGD: "Class C0"). This variant has not been reported in the literature in individuals affected with TRPC3-related conditions. This variant is present in population databases (rs183645103, gnomAD 0.003%).

NM_001130698.2(TRPC3):c.1328C>T (p.Ala443Val)

Gene: TRPC3 (transient receptor potential cation channel subfamily C member 3; minus strand). Cytogenetic location: 4q27.
Variant type: single nucleotide variant.
Coding change: c.1328C>T on transcript NM_001130698.2 (MANE Select); coding-DNA position 1328, C replaced by T.
Protein change: p.Ala443Val; replaces alanine 443 with valine.
Molecular consequence: missense variant.
Genome position (GRCh38, 1-based): chr4:121,914,793, G>A on the plus strand (C>T on the coding strand, the complement: TRPC3 is on the minus strand). VCF-style: chr4-121914793-G-A. GRCh37 (hg19) VCF-style: chr4-122835948-G-A.
Other names: c.1328C>T, p.Ala443Val (NM_001366479.2); c.1109C>T, p.Ala370Val (NM_003305.2); short protein forms A443V, A370V.
Identifiers: ClinVar variation 2170739 (VCV002170739.4), dbSNP rs183645103, ClinGen allele CA3064969.
Genomic context (GRCh38, chr4:121,914,793, plus strand): 5'-AGACACAGTACACCACCACAGAGGAAATAGATGTAGAAAGCAAGTACCCTGCTGCAAGGT[G>A]CGATCCAGTAGCCAATGGCCAGGAATGGAAGGCCCAGGGCCACGACCAGCACAACGAGAC-3'
Protein context (NP_001124170.1, residues 433-453): LPFLAIGYWI[Ala443Val]PCSRLGKILR